The following is an entry in ClinVar:

NM_006393.3(NEBL):c.3013C>T (p.Leu1005Phe)

Gene: NEBL (nebulette; minus strand). Cytogenetic location: 10p12.31.
Variant type: single nucleotide variant.
Coding change: c.3013C>T on transcript NM_006393.3 (MANE Select); coding-DNA position 3013, C replaced by T.
Protein change: p.Leu1005Phe; replaces leucine 1005 with phenylalanine.
Molecular consequence: missense variant. On other transcripts: 3 prime UTR variant (1).
Genome position (GRCh38, 1-based): chr10:20,785,779, G>A on the plus strand (C>T on the coding strand, the complement: NEBL is on the minus strand). VCF-style: chr10-20785779-G-A. GRCh37 (hg19) VCF-style: chr10-21074708-G-A.
Other names: c.*104C>T (NM_001173484.2); c.874C>T, p.Leu292Phe (NM_001377322.1); c.733C>T, p.Leu245Phe (NM_001377323.1); c.724C>T, p.Leu242Phe (NM_001377324.1); c.715C>T, p.Leu239Phe (NM_001377325.1); c.673C>T, p.Leu225Phe (NM_001377326.1, NM_001377327.1, NM_001377328.1); c.781C>T, p.Leu261Phe (NM_213569.2); short protein forms L1005F, L239F, L242F, L245F, L261F, L225F, L292F.
Identifiers: ClinVar variation 2707013 (VCV002707013.3), dbSNP rs2491366224, ClinGen allele CA376092047.
Genomic context (GRCh38, chr10:20,785,779, plus strand): 5'-ATAAAGCTCAAAGGGCAGGGAGAAATAATTAATTAACAAACTCAATGTAATTCGCTGGGA[G>A]CATTCCTGTTCTCCCTGTTCTCTGCACTGTGCCGTACATCCAGCCATCGTCAATAGGCTG-3'
Protein context (NP_006384.1, residues 995-1014): TVQRTGRTGM[Leu1005Phe]PANYIEFVN

ClinVar aggregate classification (germline): Uncertain significance (1 of 4 stars; one submission).

Conditions:
Primary dilated cardiomyopathy (DCM). Also called: Dilated Cardiomyopathy. Identifiers: Orphanet 217604, MedGen C0007193, MeSH D002311, MONDO:0005021, HP:0001644. Inheritance: Various modes of inheritance.

Submission:

Labcorp Genetics (formerly Invitae), Labcorp
Classification: Uncertain significance for Primary dilated cardiomyopathy. Last evaluated: 2024-01-11. Review status: criteria provided, single submitter. Criteria: Invitae Variant Classification Sherloc (09022015). Collection method: clinical testing. Allele origin: germline.
Comment: This sequence change replaces leucine, which is neutral and non-polar, with phenylalanine, which is neutral and non-polar, at codon 1005 of the NEBL protein (p.Leu1005Phe). This variant is not present in population databases (gnomAD no frequency). This variant has not been reported in the literature in individuals affected with NEBL-related conditions. An algorithm developed to predict the effect of missense changes on protein structure and function (PolyPhen-2) suggests that this variant is likely to be disruptive. In summary, the available evidence is currently insufficient to determine the role of this variant in disease. Therefore, it has been classified as a Variant of Uncertain Significance.